The following is an entry in ClinVar:

ClinVar aggregate classification (germline): Uncertain significance (1 of 4 stars; one submission).

Submission:

Labcorp Genetics (formerly Invitae), Labcorp
Classification: Uncertain significance. Last evaluated: 2022-06-24. Review status: criteria provided, single submitter. Criteria: Invitae Variant Classification Sherloc (09022015). Collection method: clinical testing. Allele origin: germline.
Comment: In summary, the available evidence is currently insufficient to determine the role of this variant in disease. Therefore, it has been classified as a Variant of Uncertain Significance. Algorithms developed to predict the effect of sequence changes on RNA splicing suggest that this variant may create or strengthen a splice site. This variant has not been reported in the literature in individuals affected with C1QBP-related conditions. This variant is not present in population databases (gnomAD no frequency). This sequence change affects codon 6 of the C1QBP mRNA. It is a 'silent' change, meaning that it does not change the encoded amino acid sequence of the C1QBP protein.

NM_001212.4(C1QBP):c.18C>G (p.Arg6=)

Genes: C1QBP (complement C1q binding protein; minus strand), LOC130060075 (ATAC-STARR-seq lymphoblastoid silent region 8070; plus strand). Cytogenetic location: 17p13.2.
Variant type: single nucleotide variant.
Coding change: c.18C>G on transcript NM_001212.4 (MANE Select); coding-DNA position 18, C replaced by G.
Protein change: p.Arg6=; no amino-acid change (arginine 6 retained).
Molecular consequence: synonymous variant.
Genome position (GRCh38, 1-based): chr17:5,439,056, G>C on the plus strand (C>G on the coding strand, the complement: C1QBP is on the minus strand). VCF-style: chr17-5439056-G-C. GRCh37 (hg19) VCF-style: chr17-5342376-G-C.
Identifiers: ClinVar variation 1910768 (VCV001910768.5), dbSNP rs2507771910, ClinGen allele CA497576089.